The following is an entry in ClinVar:

NM_182961.4(SYNE1):c.16167T>C (p.Tyr5389=)

Gene: SYNE1 (spectrin repeat containing nuclear envelope protein 1; minus strand). Cytogenetic location: 6q25.2.
Variant type: single nucleotide variant.
Coding change: c.16167T>C on transcript NM_182961.4 (MANE Select); coding-DNA position 16167, T replaced by C.
Protein change: p.Tyr5389=; no amino-acid change (tyrosine 5389 retained).
Molecular consequence: synonymous variant.
Genome position (GRCh38, 1-based): chr6:152,321,307, A>G on the plus strand (T>C on the coding strand, the complement: SYNE1 is on the minus strand). VCF-style: chr6-152321307-A-G. GRCh37 (hg19) VCF-style: chr6-152642442-A-G.
Other names: c.15954T>C, p.Tyr5318= (NM_033071.5).
Identifiers: ClinVar variation 513145 (VCV000513145.8), dbSNP rs200796273, ClinGen allele CA4055596.

ClinVar aggregate classification (germline): Likely benign. Review status: criteria provided, multiple submitters, no conflicts (2 of 4 stars). 2 submissions from 2 submitters: Likely benign (2). Last evaluated 2025-06-12.

Conditions:
Emery-Dreifuss muscular dystrophy 4, autosomal dominant (EDMD4). Also called: EMERY-DREIFUSS MUSCULAR DYSTROPHY 4 WITH VARIABLE FEATURES. Identifiers: Orphanet 261, MedGen C2751807, MONDO:0013071, OMIM 612998.
Autosomal recessive ataxia, Beauce type. Also called: SYNE1 Deficiency; Spinocerebellar ataxia, autosomal recessive 8; ATAXIA, RECESSIVE, OF BEAUCE; SYNE1-Related Autosomal Recessive Cerebellar Ataxia. Identifiers: Orphanet 88644, MedGen C1853116, MONDO:0012549, OMIM 610743.

Allele frequency attached by ClinVar (database versions not stated): gnomAD exomes 0.00001 and 0.00002; TOPMed 0.00001; ExAC 0.00002; gnomAD 0.00002.
gnomAD v4.1: 13 of 1,613,838 alleles (0.00081%); highest among the groups gnomAD compares: Admixed American, 0.0067%; no homozygotes.

Submissions (2):

Labcorp Genetics (formerly Invitae), Labcorp
Classification: Likely benign for Emery-Dreifuss muscular dystrophy 4, autosomal dominant; Autosomal recessive ataxia, Beauce type. Last evaluated: 2025-06-12. Review status: criteria provided, single submitter. Criteria: Invitae Variant Classification Sherloc (09022015). Collection method: clinical testing. Allele origin: germline.

GeneDx
Classification: Likely benign. Last evaluated: 2017-11-07. Review status: criteria provided, single submitter. Criteria: GeneDx Variant Classification (06012015). Collection method: clinical testing. Allele origin: germline. Affected: yes.
Comment: This variant is considered likely benign or benign based on one or more of the following criteria: it is a conservative change, it occurs at a poorly conserved position in the protein, it is predicted to be benign by multiple in silico algorithms, and/or has population frequency not consistent with disease.